The following is an entry in ClinVar:

NM_020365.5(EIF2B3):c.1202+8T>G

Gene: EIF2B3 (eukaryotic translation initiation factor 2B subunit gamma; minus strand). Cytogenetic location: 1p34.1.
Variant type: single nucleotide variant.
Coding change: c.1202+8T>G on transcript NM_020365.5 (MANE Select); 8 bases into the intron after coding-DNA position 1202, T replaced by G.
Molecular consequence: intron variant. On other transcripts: missense variant (1).
Genome position (GRCh38, 1-based): chr1:44,874,670, A>C on the plus strand (T>G on the coding strand, the complement: EIF2B3 is on the minus strand). VCF-style: chr1-44874670-A-C. GRCh37 (hg19) VCF-style: chr1-45340342-A-C.
Other names: p.?; c.1210T>G, p.Ser404Ala (NM_001166588.3); c.1202+8T>G (NM_001261418.2); short protein forms S404A.
Identifiers: ClinVar variation 95945 (VCV000095945.22), dbSNP rs77068026, ClinGen allele CA149067.

ClinVar aggregate classification (germline): Benign/Likely benign. Review status: criteria provided, multiple submitters, no conflicts (2 of 4 stars). 8 submissions from 8 submitters: Benign (6); Likely benign (2). Last evaluated 2026-02-04.

Conditions:
Vanishing white matter disease. Also called: CACH syndrome; Childhood ataxia with diffuse central nervous system hypomyelination; Leukoencephalopathy with vanishing white matter; CACH/VWM syndrome; Cree leukoencehalopathy. Identifiers: Orphanet 135, Orphanet 99853, MedGen C1858991, MONDO:0800448.

Allele frequency attached by ClinVar (database versions not stated): ESP Exome Variant Server 0.01146; 1000 Genomes Project 0.01558; gnomAD 0.01589 and 0.01606; 1000 Genomes Project 30x 0.01686; gnomAD exomes 0.01704 and 0.02178; TOPMed 0.01746; ExAC 0.01909.
gnomAD v4.1: 27,441 of 1,613,938 alleles (1.7%); highest among the groups gnomAD compares: Admixed American, 7.2%; 455 homozygotes.

Submissions (8):

Labcorp Genetics (formerly Invitae), Labcorp
Classification: Benign. Last evaluated: 2026-02-04. Review status: criteria provided, single submitter. Criteria: Invitae Variant Classification Sherloc (09022015). Collection method: clinical testing. Allele origin: germline.

Athena Diagnostics
Classification: Benign. Last evaluated: 2024-12-31. Review status: criteria provided, single submitter. Criteria: Athena Diagnostics Criteria. Collection method: clinical testing. Allele origin: unknown.
Comment: The frequency of this variant in the general population is higher than would generally be expected for pathogenic variants in this gene.

Mayo Clinic Laboratories, Mayo Clinic
Classification: Benign. Last evaluated: 2022-03-23. Review status: criteria provided, single submitter. Criteria: ACMG Guidelines, 2015. Collection method: clinical testing. Allele origin: germline. Observed: 16 variant alleles.

GeneDx
Classification: Benign. Last evaluated: 2021-05-14. Review status: criteria provided, single submitter. Criteria: GeneDx Variant Classification Process June 2021. Collection method: clinical testing. Allele origin: germline. Affected: yes.

Illumina Laboratory Services, Illumina
Classification: Benign for Leukoencephalopathy with vanishing white matter 1. Last evaluated: 2018-01-12. Review status: criteria provided, single submitter. Criteria: ICSL Variant Classification Criteria 13 December 2019. Collection method: clinical testing. Allele origin: germline.
Comment: This variant was observed in the ICSL laboratory as part of a predisposition screen in an ostensibly healthy population. It had not been previously curated by ICSL or reported in the Human Gene Mutation Database (HGMD: prior to June 1st, 2018), and was therefore a candidate for classification through an automated scoring system. Utilizing variant allele frequency, disease prevalence and penetrance estimates, and inheritance mode, an automated score was calculated to assess if this variant is too frequent to cause the disease. Based on the score and internal cut-off values, a variant classified as benign is not then subjected to further curation. The score for this variant resulted in a classification of benign for this disease.

Eurofins Ntd Llc (ga)
Classification: Benign. Last evaluated: 2013-10-17. Review status: criteria provided, single submitter. Criteria: EGL Classification Definitions 2015. Collection method: clinical testing. Allele origin: germline. Observed: 2 variant alleles, 2 heterozygotes.

Breakthrough Genomics
Classification: Likely benign. Review status: criteria provided, single submitter. Criteria: ACMG Guidelines, 2015. Collection method: not provided. Allele origin: germline. Inheritance: Autosomal recessive inheritance. Affected: yes.

PreventionGenetics, part of Exact Sciences
Classification: Likely benign. Review status: criteria provided, single submitter. Criteria: ACMG Guidelines, 2015. Collection method: clinical testing. Allele origin: germline.